The following is an entry in ClinVar:

NM_001136193.2(FASTKD2):c.781C>G (p.Arg261Gly)

Genes: FASTKD2 (FAST kinase domains 2; plus strand), LOC126806484 (CDK7 strongly-dependent group 2 enhancer GRCh37_chr2:207634423-207635622; plus strand). Cytogenetic location: 2q33.3.
Variant type: single nucleotide variant.
Coding change: c.781C>G on transcript NM_001136193.2 (MANE Select); coding-DNA position 781, C replaced by G.
Protein change: p.Arg261Gly; replaces arginine 261 with glycine.
Molecular consequence: missense variant.
Genome position (GRCh38, 1-based): chr2:206,770,094, C>G. VCF-style: chr2-206770094-C-G. GRCh37 (hg19) VCF-style: chr2-207634818-C-G.
Other names: c.781C>G, p.Arg261Gly (NM_001136194.2, NM_014929.4); short protein forms R261G.
Identifiers: ClinVar variation 1380535 (VCV001380535.6), dbSNP rs367924143, ClinGen allele CA2074969.
Genomic context (GRCh38, chr2:206,770,094, plus strand): 5'-AAGATAGTTTACTATGGGCTCATCACCTGTAGTGTTTTTGTAATTATATTTCAATAGGAA[C>G]GTATCAATGAGTGTGATGAGATATGCCTTTCAGTTTTGTCAACTGTTTTAGAGGCAATGG-3'
Protein context (NP_001129665.1, residues 251-271): VQTLLRVTQE[Arg261Gly]INECDEICLS

ClinVar aggregate classification (germline): Uncertain significance (1 of 4 stars; one submission).

Allele frequency attached by ClinVar (database versions not stated): ESP Exome Variant Server 0.00008.
gnomAD v4.1: 3 of 1,586,580 alleles (0.00019%); highest among the groups gnomAD compares: African/African-American, 0.0013%; no homozygotes.

Submission:

Labcorp Genetics (formerly Invitae), Labcorp
Classification: Uncertain significance. Last evaluated: 2021-09-10. Review status: criteria provided, single submitter. Criteria: Invitae Variant Classification Sherloc (09022015). Collection method: clinical testing. Allele origin: germline.
Comment: In summary, the available evidence is currently insufficient to determine the role of this variant in disease. Therefore, it has been classified as a Variant of Uncertain Significance. Algorithms developed to predict the effect of sequence changes on RNA splicing suggest that this variant may create or strengthen a splice site. Algorithms developed to predict the effect of missense changes on protein structure and function are either unavailable or do not agree on the potential impact of this missense change (SIFT: "Tolerated"; PolyPhen-2: "Probably Damaging"; Align-GVGD: "Class C0"). This variant has not been reported in the literature in individuals affected with FASTKD2-related conditions. This variant is present in population databases (rs367924143, ExAC 0.001%). This sequence change replaces arginine with glycine at codon 261 of the FASTKD2 protein (p.Arg261Gly). The arginine residue is moderately conserved and there is a moderate physicochemical difference between arginine and glycine.